The following continues an entry in ClinVar:

NM_001126108.2(SLC12A3):c.2864G>A (p.Arg955Gln)

Gene: SLC12A3. ClinVar aggregate classification (germline): Pathogenic/Likely pathogenic. Pathogenic (12); Likely pathogenic (3).

Submissions 14 to 18 of 18:

Ambry Genetics
Classification: Pathogenic for Inborn genetic diseases. Last evaluated: 2020-11-05. Review status: criteria provided, single submitter. Criteria: Ambry Variant Classification Scheme 2023. Collection method: clinical testing. Allele origin: germline.
Comment: The c.2891G>A (p.R964Q) alteration is located in exon 25 (coding exon 25) of the SLC12A3 gene. This alteration results from a G to A substitution at nucleotide position 2891, causing the arginine (R) at amino acid position 964 to be replaced by a glutamine (Q). Based on data from the Genome Aggregation Database (gnomAD) database, the SLC12A3 c.2891G>A alteration was observed in 0.01% (41/282888) of total alleles studied, with a frequency of 0.17% (18/10370) in the Ashkenazi Jewish subpopulation. This alteration has been reported in multiple patients with Gitelman syndrome in both the homozygous and compound heterozygous states (Enya, 2004; Fava, 2007; Nakamura, 2010; Vargas-Poussou, 2011; Glaudemans, 2012; Ito, 2012; Fujimura, 2019). This amino acid position is well conserved in available vertebrate species. The in silico prediction for the p.R964Q alteration is inconclusive. Based on the available evidence, this alteration is classified as pathogenic.

Neuberg Centre For Genomic Medicine, NCGM
Classification: Pathogenic for Familial hypokalemia-hypomagnesemia. Review status: criteria provided, single submitter. Criteria: ACMG Guidelines, 2015. Collection method: clinical testing. Allele origin: germline. Inheritance: Autosomal recessive inheritance. Affected: yes.
Comment: The missense variant c.2864G>A(p.Arg955Gln) in SLC12A3 gene has been observed in compound heterozygous state in multiple individuals with Gitelman syndrome (Fujimura et. al., 2018; Ito et. al., 2012). It has also been observed to segregate with disease in related individuals. This variant is also known as p.Arg955Gln. Experimental studies have shown that this missense change affects SLC12A3 function (De Jong JC et. al., 2002). The observed variant has allele frequency of 0.02% in gnomAD exomes database. This variant has been submitted to the ClinVar database as Likely Pathogenic / Pathogenic (multiple submitters). Multiple lines of computational evidence (Polyphen - probably damaging, SIFT - damaging and MutationTaster - disease causing) predict a damaging effect on protein structure and function for this variant. The reference amino acid change p.Arg955Gln in SLC12A3 is predicted as conserved by GERP++ and PhyloP across 100 vertebrates. The amino acid Arg at position 955 is changed to a Gln changing protein sequence and it might alter its composition and physico-chemical properties. For these reasons, this variant has been classified as Pathogenic.

Gharavi Laboratory, Columbia University
Classification: Likely pathogenic. Last evaluated: 2018-09-16. Review status: no assertion criteria provided. Criteria: ACMG Guidelines, 2015. Collection method: research. Allele origin: germline. Affected: yes. Not counted in ClinVar's aggregate classification.

Division of Human Genetics, Children's Hospital of Philadelphia
Classification: Pathogenic for Familial hypokalemia-hypomagnesemia. Last evaluated: 2015-09-23. Review status: no assertion criteria provided. Collection method: research. Allele origin: maternal. Study: CSER-PediSeq. Not counted in ClinVar's aggregate classification.

Dr. Peter K. Rogan Lab, Western University
No classification provided (evidence only). Condition: Cervical cancer. Review status: no classification provided. Collection method: in vitro. Allele origin: not applicable. Functional consequence: retained intron. Not counted in ClinVar's aggregate classification.

Literature cited by the submitters: PubMed 8528245 (cited by 3 submitters); PubMed 17654016 (cited by 3 submitters); PubMed 21415153 (cited by 5 submitters); PubMed 22214629 (cited by 5 submitters); PubMed 30596175 (cited by 4 submitters); PubMed 12039972 (cited by 3 submitters); PubMed 19508680 (cited by Natera, Inc. and Ambry Genetics); PubMed 22009145 (cited by Athena Diagnostics and Ambry Genetics); PubMed 15102966 (cited by Athena Diagnostics); PubMed 15206555 (cited by Athena Diagnostics and Ambry Genetics); PubMed 18391953 (cited by Athena Diagnostics and Division of Human Genetics, Children's Hospital of Philadelphia); PubMed 27582097 (cited by Ambry Genetics).